The following is an entry in ClinVar:

NM_024420.3(PLA2G4A):c.1961-5T>C

Gene: PLA2G4A (phospholipase A2 group IVA; plus strand). Cytogenetic location: 1q31.1.
Variant type: single nucleotide variant.
Coding change: c.1961-5T>C on transcript NM_024420.3 (MANE Select); 5 bases into the intron before coding-DNA position 1961, T replaced by C.
Molecular consequence: intron variant.
Genome position (GRCh38, 1-based): chr1:186,979,310, T>C. VCF-style: chr1-186979310-T-C. GRCh37 (hg19) VCF-style: chr1-186948442-T-C.
Other names: c.1781-5T>C (NM_001311193.2).
Identifiers: ClinVar variation 3352391 (VCV003352391.1).

ClinVar aggregate classification (germline): Likely benign (0 of 4 stars; one submission).

Conditions:
PLA2G4A-related disorder. Also called: PLA2G4A-related condition.

gnomAD v4.1: 3 of 1,605,538 alleles (0.00019%); highest among the groups gnomAD compares: Non-Finnish European, 0.00026%; no homozygotes.

Submission:

PreventionGenetics, part of Exact Sciences
Classification: Likely benign for PLA2G4A-related condition. Last evaluated: 2019-06-21. Review status: no assertion criteria provided. Collection method: clinical testing. Allele origin: germline.
Comment: This variant is classified as likely benign based on ACMG/AMP sequence variant interpretation guidelines (Richards et al. 2015 PMID: 25741868, with internal and published modifications).